The following is an entry in ClinVar:

ClinVar aggregate classification (germline): Uncertain significance (1 of 4 stars; one submission).

gnomAD v4.1: 35 of 1,611,100 alleles (0.0022%); highest among the groups gnomAD compares: Non-Finnish European, 0.003%; no homozygotes.

Submission:

GeneDx
Classification: Uncertain significance. Last evaluated: 2019-09-22. Review status: criteria provided, single submitter. Criteria: GeneDx Variant Classification Process June 2021. Collection method: clinical testing. Allele origin: germline. Affected: yes.
Comment: Not observed at a significant frequency in large population cohorts (Lek et al., 2016); In silico analysis, which includes protein predictors and evolutionary conservation, supports a deleterious effect; Has not been previously published as pathogenic or benign to our knowledge

NM_004924.6(ACTN4):c.1535G>T (p.Arg512Leu)

Gene: ACTN4 (actinin alpha 4; plus strand). Cytogenetic location: 19q13.2.
Variant type: single nucleotide variant.
Coding change: c.1535G>T on transcript NM_004924.6 (MANE Select); coding-DNA position 1535, G replaced by T.
Protein change: p.Arg512Leu; replaces arginine 512 with leucine.
Molecular consequence: missense variant.
Genome position (GRCh38, 1-based): chr19:38,723,706, G>T. VCF-style: chr19-38723706-G-T. GRCh37 (hg19) VCF-style: chr19-39214346-G-T.
Other names: c.1535G>T, p.Arg512Leu (NM_001322033.2); short protein forms R512L.
Identifiers: ClinVar variation 1312423 (VCV001312423.2), dbSNP rs752074337, ClinGen allele CA9417695.
Genomic context (GRCh38, chr19:38,723,706, plus strand): 5'-ACACCCGGTGCCAGAAGATCTGTGACCAGTGGGACGCCCTCGGCTCTCTGACACATAGTC[G>T]CAGGGAAGCCCTGGAGGTGAGGAGGGGGTGACATCACCCACGGAGCTCTGTGCCCCTGCT-3'
Protein context (NP_004915.2, residues 502-522): WDALGSLTHS[Arg512Leu]REALEKTEKQ